The following is an entry in ClinVar:

ClinVar aggregate classification (germline): Likely pathogenic. Review status: criteria provided, multiple submitters, no conflicts (2 of 4 stars). 3 submissions from 3 submitters: Likely pathogenic (2). 1 of the submissions does not count toward it. Last evaluated 2025-11-06.

Conditions:
Propionic acidemia (PROP). Also called: GLYCINEMIA, KETOTIC; HYPERGLYCINEMIA WITH KETOACIDOSIS AND LEUKOPENIA; KETOTIC HYPERGLYCINEMIA. Identifiers: Orphanet 35, MedGen C0268579, MONDO:0011628, OMIM 606054, HP:0003571.

Allele frequency attached by ClinVar (database versions not stated): gnomAD exomes below 0.00001; TOPMed below 0.00001.
gnomAD v4.1: 6 of 1,612,552 alleles (0.00037%); highest among the groups gnomAD compares: Non-Finnish European, 0.00051%; no homozygotes.

Submissions (3):

Labcorp Genetics (formerly Invitae), Labcorp
Classification: Likely pathogenic for Propionic acidemia. Last evaluated: 2025-11-06. Review status: criteria provided, single submitter. Criteria: Invitae Variant Classification Sherloc (09022015). Collection method: clinical testing. Allele origin: germline.
Comment: This sequence change replaces valine, which is neutral and non-polar, with methionine, which is neutral and non-polar, at codon 107 of the PCCB protein (p.Val107Met). This variant is not present in population databases (gnomAD no frequency). This missense change has been observed in individuals with clinical features of propionic acidemia (PMID: 12559849, 35189944, 36964991). ClinVar contains an entry for this variant (Variation ID: 555567). Invitae Evidence Modeling of protein sequence and biophysical properties (such as structural, functional, and spatial information, amino acid conservation, physicochemical variation, residue mobility, and thermodynamic stability) has been performed for this missense variant. However, the output from this modeling did not meet the statistical confidence thresholds required to predict the impact of this variant on PCCB protein function. In summary, the currently available evidence indicates that the variant is pathogenic, but additional data are needed to prove that conclusively. Therefore, this variant has been classified as Likely Pathogenic.

Fulgent Genetics
Classification: Likely pathogenic for Propionic acidemia. Last evaluated: 2024-04-22. Review status: criteria provided, single submitter. Criteria: ACMG Guidelines, 2015. Collection method: clinical testing. Allele origin: germline.

Counsyl
Classification: Uncertain significance for Propionic acidemia. Last evaluated: 2017-12-12. Review status: no assertion criteria provided. Collection method: clinical testing. Allele origin: unknown. Not counted in ClinVar's aggregate classification.

Literature cited by the submitters: PubMed 12559849 (cited by Labcorp Genetics (formerly Invitae), Labcorp and Counsyl); PubMed 35189944 (cited by Labcorp Genetics (formerly Invitae), Labcorp); PubMed 36964991 (cited by Labcorp Genetics (formerly Invitae), Labcorp).

NM_000532.5(PCCB):c.319G>A (p.Val107Met)

Gene: PCCB (propionyl-CoA carboxylase subunit beta; plus strand). Cytogenetic location: 3q22.3.
Variant type: single nucleotide variant.
Coding change: c.319G>A on transcript NM_000532.5 (MANE Select); coding-DNA position 319, G replaced by A.
Protein change: p.Val107Met; replaces valine 107 with methionine.
Molecular consequence: missense variant.
Genome position (GRCh38, 1-based): chr3:136,256,570, G>A. VCF-style: chr3-136256570-G-A. GRCh37 (hg19) VCF-style: chr3-135975412-G-A.
Other names: c.319G>A, p.Val107Met (NM_001178014.2); short protein forms V107M.
Identifiers: ClinVar variation 555567 (VCV000555567.9), dbSNP rs1553774114, ClinGen allele CA354738674.